The following is an entry in ClinVar:

NM_004373.4(COX6A1):c.14G>T (p.Gly5Val)

Gene: COX6A1 (cytochrome c oxidase subunit 6A1; plus strand). Cytogenetic location: 12q24.31.
Variant type: single nucleotide variant.
Coding change: c.14G>T on transcript NM_004373.4 (MANE Select); coding-DNA position 14, G replaced by T.
Protein change: p.Gly5Val; replaces glycine 5 with valine.
Molecular consequence: missense variant.
Genome position (GRCh38, 1-based): chr12:120,438,140, G>T. VCF-style: chr12-120438140-G-T. GRCh37 (hg19) VCF-style: chr12-120875943-G-T.
Other names: short protein forms G5V.
Identifiers: ClinVar variation 1507366 (VCV001507366.4), dbSNP rs922746638, ClinGen allele CA244444990.
Genomic context (GRCh38, chr12:120,438,140, plus strand): 5'-CCAATTTTCCACTTCCGCTTCCGGCGCTGCGGCAGTCCAGATCAAAAATGGCGGTAGTTG[G>T]TGTGTCCTCGGTTTCTCGGCTGCTGGGTCGGTCCCGCCCACAGCTGGGGCGGCCTATGTC-3'
Protein context (NP_004364.2, residues 1-15): MAVV[Gly5Val]VSSVSRLLGR

ClinVar aggregate classification (germline): Uncertain significance (1 of 4 stars; one submission).

Allele frequency attached by ClinVar (database versions not stated): gnomAD 0.00001; TOPMed 0.00003.

Submission:

Labcorp Genetics (formerly Invitae), Labcorp
Classification: Uncertain significance. Last evaluated: 2021-08-20. Review status: criteria provided, single submitter. Criteria: Invitae Variant Classification Sherloc (09022015). Collection method: clinical testing. Allele origin: germline.
Comment: This sequence change replaces glycine with valine at codon 5 of the COX6A1 protein (p.Gly5Val). The glycine residue is weakly conserved and there is a moderate physicochemical difference between glycine and valine. This variant is not present in population databases (ExAC no frequency). This variant has not been reported in the literature in individuals affected with COX6A1-related conditions. Algorithms developed to predict the effect of missense changes on protein structure and function output the following: SIFT: "Tolerated"; PolyPhen-2: "Not Available"; Align-GVGD: "Class C0". The valine amino acid residue is found in multiple mammalian species, which suggests that this missense change does not adversely affect protein function. In summary, the available evidence is currently insufficient to determine the role of this variant in disease. Therefore, it has been classified as a Variant of Uncertain Significance.